The following is an entry in ClinVar:

ClinVar aggregate classification (germline): Uncertain significance (1 of 4 stars; one submission).

Conditions:
Hereditary cancer-predisposing syndrome. Also called: Neoplastic Syndromes, Hereditary; Tumor predisposition; Hereditary neoplastic syndrome; Hereditary Cancer Syndrome. Identifiers: Orphanet 140162, MedGen C0027672, MeSH D009386, MONDO:0015356.

Submission:

Ambry Genetics
Classification: Uncertain significance for Hereditary cancer-predisposing syndrome. Last evaluated: 2024-02-27. Review status: criteria provided, single submitter. Criteria: Ambry Variant Classification Scheme 2023. Collection method: clinical testing. Allele origin: germline.
Comment: The p.M851L variant (also known as c.2551A>T), located in coding exon 25 of the RB1 gene, results from an A to T substitution at nucleotide position 2551. The methionine at codon 851 is replaced by leucine, an amino acid with highly similar properties. This amino acid position is conserved. In addition, the in silico prediction for this alteration is inconclusive. Based on the available evidence, the clinical significance of this alteration remains unclear.

NM_000321.3(RB1):c.2551A>T (p.Met851Leu)

Gene: RB1 (RB transcriptional corepressor 1; plus strand). Cytogenetic location: 13q14.2.
Variant type: single nucleotide variant.
Coding change: c.2551A>T on transcript NM_000321.3 (MANE Select); coding-DNA position 2551, A replaced by T.
Protein change: p.Met851Leu; replaces methionine 851 with leucine.
Molecular consequence: missense variant. On other transcripts: initiator codon variant (1).
Genome position (GRCh38, 1-based): chr13:48,476,731, A>T. VCF-style: chr13-48476731-A-T. GRCh37 (hg19) VCF-style: chr13-49050867-A-T.
Other names: c.2551A>T, p.Met851Leu (NM_001407165.1); c.1A>T, p.Met1Leu (NM_001407168.1); short protein forms M1L, M851L.
Identifiers: ClinVar variation 3231226 (VCV003231226.1), dbSNP rs2138359026, ClinGen allele CA388168251.
Genomic context (GRCh38, chr13:48,476,731, plus strand): 5'-ATTTAAAGTAAAGAATTCTGTAATTTGTAGACTTCTGAGAAGTTCCAGAAAATAAATCAG[A>T]TGGTATGTAACAGCGACCGTGTGCTCAAAAGAAGTGCTGAAGGAAGCAACCCTCCTAAAC-3'
Protein context (NP_000312.2, residues 841-861): TSEKFQKINQ[Met851Leu]VCNSDRVLKR